The following is an entry in ClinVar:

ClinVar aggregate classification (germline): Uncertain significance (1 of 4 stars; one submission).

Allele frequency attached by ClinVar (database versions not stated): gnomAD exomes below 0.00001.
gnomAD v4.1: 2 of 1,606,340 alleles (0.00012%); highest among the groups gnomAD compares: Admixed American, 0.0017%; no homozygotes.

Submission:

GeneDx
Classification: Uncertain significance. Last evaluated: 2022-11-21. Review status: criteria provided, single submitter. Criteria: GeneDx Variant Classification Process June 2021. Collection method: clinical testing. Allele origin: germline. Affected: yes.
Comment: In silico analysis supports that this missense variant does not alter protein structure/function; Has not been previously published as pathogenic or benign to our knowledge; In silico analysis is inconclusive as to whether the variant alters gene splicing. In the absence of RNA/functional studies, the actual effect of this sequence change is unknown.

NM_052867.4(NALCN):c.3890C>T (p.Ala1297Val)

Gene: NALCN (sodium leak channel, non-selective; minus strand). Cytogenetic location: 13q32.3.
Variant type: single nucleotide variant.
Coding change: c.3890C>T on transcript NM_052867.4 (MANE Select); coding-DNA position 3890, C replaced by T.
Protein change: p.Ala1297Val; replaces alanine 1297 with valine.
Molecular consequence: missense variant.
Genome position (GRCh38, 1-based): chr13:101,075,937, G>A on the plus strand (C>T on the coding strand, the complement: NALCN is on the minus strand). VCF-style: chr13-101075937-G-A. GRCh37 (hg19) VCF-style: chr13-101728288-G-A.
Other names: c.3977C>T, p.Ala1326Val (NM_001350748.2); c.3890C>T, p.Ala1297Val (NM_001350749.2); c.3803C>T, p.Ala1268Val (NM_001350750.2, NM_001350751.2); short protein forms A1268V, A1297V, A1326V.
Identifiers: ClinVar variation 2502529 (VCV002502529.1), dbSNP rs1313277159, ClinGen allele CA388649796.